The following is an entry in ClinVar:

NM_004859.4(CLTC):c.3779G>A (p.Cys1260Tyr)

Gene: CLTC (clathrin heavy chain; plus strand). Cytogenetic location: 17q23.1.
Variant type: single nucleotide variant.
Coding change: c.3779G>A on transcript NM_004859.4 (MANE Select); coding-DNA position 3779, G replaced by A.
Protein change: p.Cys1260Tyr; replaces cysteine 1260 with tyrosine.
Molecular consequence: missense variant.
Genome position (GRCh38, 1-based): chr17:59,682,920, G>A. VCF-style: chr17-59682920-G-A. GRCh37 (hg19) VCF-style: chr17-57760281-G-A.
Other names: c.3791G>A, p.Cys1264Tyr (NM_001288653.2); short protein forms C1260Y, C1264Y.
Identifiers: ClinVar variation 1709294 (VCV001709294.2), dbSNP rs2509153827, ClinGen allele CA400418952.

ClinVar aggregate classification (germline): Uncertain significance (1 of 4 stars; one submission).

Conditions:
Intellectual developmental disorder, autosomal dominant 56. Also called: Intellectual disability, autosomal dominant 56; MENTAL RETARDATION, AUTOSOMAL DOMINANT 56. Identifiers: MedGen C4693389, MONDO:0030922, OMIM 617854.

Submission:

MGZ Medical Genetics Center
Classification: Uncertain significance for Intellectual developmental disorder, autosomal dominant 56. Last evaluated: 2022-03-28. Review status: criteria provided, single submitter. Criteria: ACMG Guidelines, 2015. Collection method: clinical testing. Allele origin: germline. Affected: yes. Observed: 1 variant allele.
Comment: ACMG criteria applied: PS2_MOD, PM2_SUP, PP2